The following is an entry in ClinVar:

ClinVar aggregate classification (germline): Uncertain significance (1 of 4 stars; one submission).

Allele frequency attached by ClinVar (database versions not stated): gnomAD 0.00001; TOPMed 0.00001.
gnomAD v4.1: 3 of 1,552,506 alleles (0.00019%); highest among the groups gnomAD compares: South Asian, 0.0024%; no homozygotes.

Submission:

Labcorp Genetics (formerly Invitae), Labcorp
Classification: Uncertain significance. Last evaluated: 2022-07-11. Review status: criteria provided, single submitter. Criteria: Invitae Variant Classification Sherloc (09022015). Collection method: clinical testing. Allele origin: germline.
Comment: In summary, the available evidence is currently insufficient to determine the role of this variant in disease. Therefore, it has been classified as a Variant of Uncertain Significance. Algorithms developed to predict the effect of missense changes on protein structure and function (SIFT, PolyPhen-2, Align-GVGD) all suggest that this variant is likely to be tolerated. This variant has not been reported in the literature in individuals affected with ISCA1-related conditions. This variant is not present in population databases (gnomAD no frequency). This sequence change replaces threonine, which is neutral and polar, with isoleucine, which is neutral and non-polar, at codon 21 of the ISCA1 protein (p.Thr21Ile).

NM_030940.4(ISCA1):c.62C>T (p.Thr21Ile)

Genes: ISCA1 (iron-sulfur cluster assembly 1; minus strand), LOC130001967 (ATAC-STARR-seq lymphoblastoid active region 28514; plus strand). Cytogenetic location: 9q21.33.
Variant type: single nucleotide variant.
Coding change: c.62C>T on transcript NM_030940.4 (MANE Select); coding-DNA position 62, C replaced by T.
Protein change: p.Thr21Ile; replaces threonine 21 with isoleucine.
Molecular consequence: missense variant.
Genome position (GRCh38, 1-based): chr9:86,282,397, G>A on the plus strand (C>T on the coding strand, the complement: ISCA1 is on the minus strand). VCF-style: chr9-86282397-G-A. GRCh37 (hg19) VCF-style: chr9-88897312-G-A.
Other names: short protein forms T21I.
Identifiers: ClinVar variation 1995757 (VCV001995757.4), dbSNP rs1461778142, ClinGen allele CA373948556.